The following is an entry in ClinVar:

ClinVar aggregate classification (germline): Likely benign. Review status: criteria provided, multiple submitters, no conflicts (2 of 4 stars). 2 submissions from 2 submitters: Likely benign (2). Last evaluated 2024-11-22.

Conditions:
ASH1L-related disorder. Also called: ASH1L-related condition.

gnomAD v4.1: 11 of 1,613,908 alleles (0.00068%); highest among the groups gnomAD compares: Admixed American, 0.0083%; no homozygotes.

Submissions (2):

PreventionGenetics, part of Exact Sciences
Classification: Likely benign for ASH1L-related condition. Last evaluated: 2024-11-22. Review status: criteria provided, single submitter. Criteria: ACMG Guidelines, 2015. Collection method: clinical testing. Allele origin: germline.
Comment: This variant is classified as likely benign based on ACMG/AMP sequence variant interpretation guidelines (Richards et al. 2015 PMID: 25741868, with internal and published modifications).

Blueprint Genetics
Classification: Likely benign. Last evaluated: 2024-07-17. Review status: criteria provided, single submitter. Criteria: ACMG Guidelines, 2015. Collection method: clinical testing. Allele origin: germline.

NM_018489.3(ASH1L):c.7395A>G (p.Pro2465=)

Gene: ASH1L (ASH1 like histone lysine methyltransferase; minus strand). Cytogenetic location: 1q22.
Variant type: single nucleotide variant.
Coding change: c.7395A>G on transcript NM_018489.3 (MANE Select); coding-DNA position 7395, A replaced by G.
Protein change: p.Pro2465=; no amino-acid change (proline 2465 retained).
Molecular consequence: synonymous variant.
Genome position (GRCh38, 1-based): chr1:155,349,568, T>C on the plus strand (A>G on the coding strand, the complement: ASH1L is on the minus strand). VCF-style: chr1-155349568-T-C. GRCh37 (hg19) VCF-style: chr1-155319359-T-C.
Other names: c.7395A>G (NM_018489.2); c.7410A>G, p.Pro2470= (NM_001366177.2).
Identifiers: ClinVar variation 4914082 (VCV004914082.2).